The following is an entry in ClinVar:

NM_000239.3(LYZ):c.175C>T (p.Arg59Ter)

Gene: LYZ (lysozyme; plus strand). Cytogenetic location: 12q15.
Variant type: single nucleotide variant.
Coding change: c.175C>T on transcript NM_000239.3 (MANE Select); coding-DNA position 175, C replaced by T.
Protein change: p.Arg59Ter; replaces arginine 59 with a stop codon.
Molecular consequence: nonsense.
Genome position (GRCh38, 1-based): chr12:69,350,146, C>T. VCF-style: chr12-69350146-C-T. GRCh37 (hg19) VCF-style: chr12-69743926-C-T.
Other names: short protein forms R59*.
Identifiers: ClinVar variation 1338132 (VCV001338132.9), dbSNP rs374990260, ClinGen allele CA6679732.
Genomic context (GRCh38, chr12:69,350,146, plus strand): 5'-ACTAAAAATAAGTTCTTTTCAGGGATGTGTTTGGCCAAATGGGAGAGTGGTTACAACACA[C>T]GAGCTACAAACTACAATGCTGGAGACAGAAGCACTGATTATGGGATATTTCAGATCAATA-3'

ClinVar aggregate classification (germline): Uncertain significance. Review status: criteria provided, multiple submitters, no conflicts (2 of 4 stars). 6 submissions from 6 submitters: Uncertain significance (6). Last evaluated 2024-01-17.

Conditions:
Amyloidosis, hereditary systemic 5. Identifiers: MedGen C5935572, MONDO:0971009, OMIM 620658.
Familial visceral amyloidosis, Ostertag type (AMYLD2). Also called: Ostertag type amyloidosis; Familial visceral amyloidosis; Amyloidosis, hepatic and systemic; AMYLOIDOSIS, HEREDITARY SYSTEMIC 2; Hereditary Renal Amyloidosis; AMYLOIDOSIS VIII. Identifiers: Orphanet 85450, MedGen C0268389, MONDO:0007099, OMIM 105200.

Allele frequency attached by ClinVar (database versions not stated): gnomAD exomes 0.00003 and 0.00007; gnomAD 0.00004 and 0.00005; ExAC 0.00007; ESP Exome Variant Server 0.00008; TOPMed 0.00008.
gnomAD v4.1: 51 of 1,613,980 alleles (0.0032%); highest among the groups gnomAD compares: East Asian, 0.018%; no homozygotes.

Submissions (6):

Women's Health and Genetics/Laboratory Corporation of America, LabCorp
Classification: Uncertain significance. Last evaluated: 2024-01-17. Review status: criteria provided, single submitter. Criteria: LabCorp Variant Classification Summary - May 2015. Collection method: clinical testing. Allele origin: germline.
Comment: Variant summary: LYZ c.175C>T (p.Arg59X) results in a premature termination codon, predicted to cause a truncation of the encoded protein or absence of the protein due to nonsense mediated decay, however the molecular mechanism of disease attributed to LYZ is currently unknown. The variant allele was found at a frequency of 6.8e-05 in 251446 control chromosomes (gnomAD). The available data on variant occurrences in the general population are insufficient to allow any conclusion about variant significance. To our knowledge, no occurrence of c.175C>T in individuals affected with Familial Visceral Amyloidosis, Ostertag Type and no experimental evidence demonstrating its impact on protein function have been reported. ClinVar contains an entry for this variant (Variation ID: 1338132). Based on the evidence outlined above, the variant was classified as uncertain significance.

Labcorp Genetics (formerly Invitae), Labcorp
Classification: Uncertain significance. Last evaluated: 2022-10-12. Review status: criteria provided, single submitter. Criteria: Invitae Variant Classification Sherloc (09022015). Collection method: clinical testing. Allele origin: germline.
Comment: This sequence change creates a premature translational stop signal (p.Arg59*) in the LYZ gene. It is expected to result in an absent or disrupted protein product. However, the current clinical and genetic evidence is not sufficient to establish whether loss-of-function variants in LYZ cause disease. This variant is present in population databases (rs374990260, gnomAD 0.02%). This variant has not been reported in the literature in individuals affected with LYZ-related conditions. ClinVar contains an entry for this variant (Variation ID: 1338132). In summary, the available evidence is currently insufficient to determine the role of this variant in disease. Therefore, it has been classified as a Variant of Uncertain Significance.

Fulgent Genetics
Classification: Uncertain significance for Familial visceral amyloidosis, Ostertag type. Last evaluated: 2022-01-13. Review status: criteria provided, single submitter. Criteria: ACMG Guidelines, 2015. Collection method: clinical testing. Allele origin: unknown.

Department of Pathology and Laboratory Medicine, Sinai Health System
Classification: Uncertain significance for Amyloidosis, hereditary systemic 5. Last evaluated: 2021-12-21. Review status: criteria provided, single submitter. Criteria: ACMG Guidelines, 2015. Collection method: research. Allele origin: germline.

Genetic Services Laboratory, University of Chicago
Classification: Uncertain significance. Last evaluated: 2021-11-19. Review status: criteria provided, single submitter. Criteria: ACMG Guidelines, 2015. Collection method: clinical testing. Allele origin: germline. Affected: no.
Comment: DNA sequence analysis of the LYZ gene demonstrated a sequence change, c.175C>T, which results in the creation of a premature stop codon at amino acid position 59, .p.Arg59*. This sequence change is predicted to result in an abnormal transcript, which may be degraded, or may lead to the production of a truncated LYZ protein with potentially abnormal function. This sequence change has been described in the gnomAD database with a frequency of 0.0068% (dbSNP rs374990260). This sequence change has previously not been described in individuals with LYZ-related disorders and till date only missense changes have been reported in this gene in association with the related conditions. Due to lack of functional studies and information regarding effect of truncating variants in this gene, the clinical significance of this variant remains unknown at this time.

Breakthrough Genomics
Classification: Uncertain significance. Review status: criteria provided, single submitter. Criteria: ACMG Guidelines, 2015. Collection method: not provided. Allele origin: germline. Inheritance: Autosomal dominant inheritance. Affected: yes.